The following is an entry in ClinVar:

ClinVar aggregate classification (germline): Uncertain significance (1 of 4 stars; one submission).

gnomAD v4.1: 1 of 1,606,718 alleles (0.000062%); highest among the groups gnomAD compares: Admixed American, 0.0017%; no homozygotes.

Submission:

CeGaT Center for Human Genetics Tuebingen
Classification: Uncertain significance. Last evaluated: 2024-02-01. Review status: criteria provided, single submitter. Criteria: CeGaT Center For Human Genetics Tuebingen Variant Classification Criteria Version 2. Collection method: clinical testing. Allele origin: germline. Affected: yes. Observed: 1 variant allele.
Comment: POLRMT: PM2, BP4

NM_005035.4(POLRMT):c.229A>G (p.Ser77Gly)

Gene: POLRMT (RNA polymerase mitochondrial; minus strand). Cytogenetic location: 19p13.3.
Variant type: single nucleotide variant.
Coding change: c.229A>G on transcript NM_005035.4 (MANE Select); coding-DNA position 229, A replaced by G.
Protein change: p.Ser77Gly; replaces serine 77 with glycine.
Molecular consequence: missense variant. On other transcripts: 5 prime UTR variant (5), non-coding transcript variant (1).
Genome position (GRCh38, 1-based): chr19:630,133, T>C on the plus strand (A>G on the coding strand, the complement: POLRMT is on the minus strand). VCF-style: chr19-630133-T-C. GRCh37 (hg19) VCF-style: chr19-630133-T-C.
Other names: c.229A>G, p.Ser77Gly (NM_001407811.1, NM_001407812.1, NM_001407813.1 and 12 more transcripts); c.-96A>G (NM_001407831.1, NM_001407833.1, NM_001407834.1 and 2 more transcripts); short protein forms S77G.
Identifiers: ClinVar variation 3025952 (VCV003025952.22), dbSNP rs2512010481, ClinGen allele CA402906293.